The following is an entry in ClinVar:

NM_000018.4(ACADVL):c.1128T>G (p.Phe376Leu)

Gene: ACADVL (acyl-CoA dehydrogenase very long chain; plus strand). Cytogenetic location: 17p13.1.
Variant type: single nucleotide variant.
Coding change: c.1128T>G on transcript NM_000018.4 (MANE Select); coding-DNA position 1128, T replaced by G.
Protein change: p.Phe376Leu; replaces phenylalanine 376 with leucine.
Molecular consequence: missense variant.
Genome position (GRCh38, 1-based): chr17:7,223,183, T>G. VCF-style: chr17-7223183-T-G. GRCh37 (hg19) VCF-style: chr17-7126502-T-G.
Other names: c.1062T>G, p.Phe354Leu (NM_001033859.3); c.1197T>G, p.Phe399Leu (NM_001270447.2); c.900T>G, p.Phe300Leu (NM_001270448.2); short protein forms F300L, F354L, F376L, F399L.
Identifiers: ClinVar variation 2083594 (VCV002083594.1), dbSNP rs200744945, ClinGen allele CA397724418.
Genomic context (GRCh38, chr17:7,223,183, plus strand): 5'-CCTCTTCCAGGTAGATCATGCCACTAATCGTACCCAGTTTGGGGAGAAAATTCACAACTT[T>G]GGGCTGATCCAGGAGAAGCTGGCACGGATGGTTATGCTGCAGTATGTAACTGAGGTGAGG-3'
Protein context (NP_000009.1, residues 366-386): RTQFGEKIHN[Phe376Leu]GLIQEKLARM

ClinVar aggregate classification (germline): Uncertain significance (1 of 4 stars; one submission).

Conditions:
Very long chain acyl-CoA dehydrogenase deficiency (ACADVLD). Also called: Very Long-Chain Acyl-Coenzyme A Dehydrogenase Deficiency; VLCAD Deficiency. Identifiers: Orphanet 26793, MedGen C3887523, MONDO:0008723, OMIM 201475.

gnomAD v4.1: 2 of 1,614,136 alleles (0.00012%); highest among the groups gnomAD compares: Non-Finnish European, 0.000085%; no homozygotes.

Submission:

Labcorp Genetics (formerly Invitae), Labcorp
Classification: Uncertain significance for Very long chain acyl-CoA dehydrogenase deficiency. Last evaluated: 2022-07-11. Review status: criteria provided, single submitter. Criteria: Invitae Variant Classification Sherloc (09022015). Collection method: clinical testing. Allele origin: germline.
Comment: This sequence change replaces phenylalanine, which is neutral and non-polar, with leucine, which is neutral and non-polar, at codon 376 of the ACADVL protein (p.Phe376Leu). This variant is not present in population databases (gnomAD no frequency). This missense change has been observed in individual(s) with a positive newborn screening result for ACADVL-related disease (Invitae). Algorithms developed to predict the effect of missense changes on protein structure and function are either unavailable or do not agree on the potential impact of this missense change (SIFT: "Deleterious"; PolyPhen-2: "Possibly Damaging"; Align-GVGD: "Class C0"). In summary, the available evidence is currently insufficient to determine the role of this variant in disease. Therefore, it has been classified as a Variant of Uncertain Significance.